The following is an entry in ClinVar:

NM_001167.4(XIAP):c.184C>T (p.Arg62Trp)

Gene: XIAP (X-linked inhibitor of apoptosis; plus strand). Cytogenetic location: Xq25.
Variant type: single nucleotide variant.
Coding change: c.184C>T on transcript NM_001167.4 (MANE Select); coding-DNA position 184, C replaced by T.
Protein change: p.Arg62Trp; replaces arginine 62 with tryptophan.
Molecular consequence: missense variant.
Genome position (GRCh38, 1-based): chrX:123,885,846, C>T. VCF-style: chrX-123885846-C-T. GRCh37 (hg19) VCF-style: chrX-123019696-C-T.
Other names: c.184C>T, p.Arg62Trp (NM_001204401.2, NM_001378590.1, NM_001378591.1 and 1 more transcripts); c.184C>T (NM_001167.3); short protein forms R62W.
Identifiers: ClinVar variation 598085 (VCV000598085.10), dbSNP rs147946593, ClinGen allele CA10508003.

ClinVar aggregate classification (germline): Conflicting classifications of pathogenicity. Review status: criteria provided, conflicting classifications (1 of 4 stars). 4 submissions from 4 submitters: Uncertain significance (3); Likely benign (1). Last evaluated 2025-01-22.

Conditions:
X-linked lymphoproliferative disease due to XIAP deficiency. Also called: XIAP DEFICIENCY; XIAP-Related Lymphoproliferative Disease, X-Linked. Identifiers: Orphanet 2442, Orphanet 538934, MedGen C1845076, MONDO:0010385, OMIM 300635.
Inborn genetic diseases. Identifiers: MedGen C0950123, MeSH D030342.

Allele frequency attached by ClinVar (database versions not stated): ExAC 0.00001; gnomAD exomes 0.00001; TOPMed 0.00003; gnomAD 0.00005 and 0.00006; ESP Exome Variant Server 0.00009.
gnomAD v4.1: 18 of 1,210,106 alleles (0.0015%); highest among the groups gnomAD compares: African/African-American, 0.016%; no homozygotes.

Submissions (4):

Dasa
Classification: Uncertain significance for X-linked lymphoproliferative disease due to XIAP deficiency. Last evaluated: 2025-01-22. Review status: criteria provided, single submitter. Criteria: DASA Assertion Criteria. Collection method: clinical testing. Allele origin: germline.
Comment: NM_001167.4(XIAP):c.184C>T (p.Arg62Trp) is a missense variant that results in the substitution of arginine with tryptophan. This variant is rare in population databases. The currently available literature and clinical evidence are not sufficient to establish a definitive association between this variant and the reported condition. Therefore, this variant is classified as a variant of uncertain significance.

Blueprint Genetics
Classification: Likely benign. Last evaluated: 2022-07-17. Review status: criteria provided, single submitter. Criteria: ACMG Guidelines, 2015. Collection method: clinical testing. Allele origin: germline.

Ambry Genetics
Classification: Uncertain significance for Inborn genetic diseases. Last evaluated: 2021-07-26. Review status: criteria provided, single submitter. Criteria: Ambry Variant Classification Scheme 2023. Collection method: clinical testing. Allele origin: germline.

Eurofins Ntd Llc (ga)
Classification: Uncertain significance. Last evaluated: 2018-07-19. Review status: criteria provided, single submitter. Criteria: EGL ClinVar v180209 classification definitions. Collection method: clinical testing. Allele origin: germline. Observed: 1 variant allele, 1 heterozygote.